The following is an entry in ClinVar:

NM_030662.4(MAP2K2):c.542T>C (p.Leu181Ser)

Gene: MAP2K2 (mitogen-activated protein kinase kinase 2; minus strand). Cytogenetic location: 19p13.3.
Variant type: single nucleotide variant.
Coding change: c.542T>C on transcript NM_030662.4 (MANE Select); coding-DNA position 542, T replaced by C.
Protein change: p.Leu181Ser; replaces leucine 181 with serine.
Molecular consequence: missense variant.
Genome position (GRCh38, 1-based): chr19:4,101,267, A>G on the plus strand (T>C on the coding strand, the complement: MAP2K2 is on the minus strand). VCF-style: chr19-4101267-A-G. GRCh37 (hg19) VCF-style: chr19-4101265-A-G.
Other names: short protein forms L181S.
Identifiers: ClinVar variation 2129638 (VCV002129638.5), dbSNP rs2512310635, ClinGen allele CA403389028.
Genomic context (GRCh38, chr19:4,101,267, plus strand): 5'-GGGAGGGCGGGCTGGGCCTTACCTCGGTGCATGATCTGGTGCTTCTCTCGGAGGTACGCC[A>G]AGCCCCGGAGAACCTGCAGGGGAGCGCGGAGGGAGTCACGGGACAAGGCCACCAGGGCTT-3'
Protein context (NP_109587.1, residues 171-191): GKVSIAVLRG[Leu181Ser]AYLREKHQIM

ClinVar aggregate classification (germline): Uncertain significance. Review status: criteria provided, multiple submitters, no conflicts (2 of 4 stars). 2 submissions from 2 submitters: Uncertain significance (2). Last evaluated 2023-12-11.

Conditions:
Cardiovascular phenotype. Identifiers: MedGen CN230736.
RASopathy. Also called: rasopathies; Noonan spectrum disorder. Identifiers: Orphanet 536391, MedGen C5555857, MONDO:0021060.

Submissions (2):

Labcorp Genetics (formerly Invitae), Labcorp
Classification: Uncertain significance for RASopathy. Last evaluated: 2023-12-11. Review status: criteria provided, single submitter. Criteria: Invitae Variant Classification Sherloc (09022015). Collection method: clinical testing. Allele origin: germline.
Comment: This sequence change replaces leucine, which is neutral and non-polar, with serine, which is neutral and polar, at codon 181 of the MAP2K2 protein (p.Leu181Ser). This variant is not present in population databases (gnomAD no frequency). This variant has not been reported in the literature in individuals affected with MAP2K2-related conditions. ClinVar contains an entry for this variant (Variation ID: 2129638). Advanced modeling of protein sequence and biophysical properties (such as structural, functional, and spatial information, amino acid conservation, physicochemical variation, residue mobility, and thermodynamic stability) performed at Invitae indicates that this missense variant is expected to disrupt MAP2K2 protein function with a positive predictive value of 95%. In summary, the available evidence is currently insufficient to determine the role of this variant in disease. Therefore, it has been classified as a Variant of Uncertain Significance.

Ambry Genetics
Classification: Uncertain significance for Cardiovascular phenotype. Last evaluated: 2021-08-10. Review status: criteria provided, single submitter. Criteria: Ambry Variant Classification Scheme 2023. Collection method: clinical testing. Allele origin: germline.